The following is an entry in ClinVar:

ClinVar aggregate classification (germline): Likely benign (1 of 4 stars; one submission).

gnomAD v4.1: 71 of 1,527,836 alleles (0.0046%); highest among the groups gnomAD compares: Middle Eastern, 0.034%; no homozygotes.

Submission:

CeGaT Center for Human Genetics Tuebingen
Classification: Likely benign. Last evaluated: 2025-09-01. Review status: criteria provided, single submitter. Criteria: CeGaT Center For Human Genetics Tuebingen Variant Classification Criteria Version 2. Collection method: clinical testing. Allele origin: germline. Affected: yes. Observed: 1 variant allele.
Comment: IGFN1: BP4, BP7

NM_001164586.2(IGFN1):c.6249G>C (p.Gly2083=)

Gene: IGFN1 (immunoglobulin like and fibronectin type III domain containing 1; plus strand). Cytogenetic location: 1q32.1.
Variant type: single nucleotide variant.
Coding change: c.6249G>C on transcript NM_001164586.2 (MANE Select); coding-DNA position 6249, G replaced by C.
Protein change: p.Gly2083=; no amino-acid change (glycine 2083 retained).
Molecular consequence: synonymous variant. On other transcripts: intron variant (1).
Genome position (GRCh38, 1-based): chr1:201,211,142, G>C. VCF-style: chr1-201211142-G-C. GRCh37 (hg19) VCF-style: chr1-201180270-G-C.
Other names: c.1242-2364G>C (NM_001367841.1).
Identifiers: ClinVar variation 4533820 (VCV004533820.6).